The following is an entry in ClinVar:

NM_206933.4(USH2A):c.11048-2A>G

Gene: USH2A (usherin; minus strand). Cytogenetic location: 1q41.
Variant type: single nucleotide variant.
Coding change: c.11048-2A>G on transcript NM_206933.4 (MANE Select); the canonical splice acceptor site of the intron before coding-DNA position 11048, A replaced by G.
Molecular consequence: splice acceptor variant.
Genome position (GRCh38, 1-based): chr1:215,759,845, T>C on the plus strand (A>G on the coding strand, the complement: USH2A is on the minus strand). VCF-style: chr1-215759845-T-C. GRCh37 (hg19) VCF-style: chr1-215933187-T-C.
Identifiers: ClinVar variation 553421 (VCV000553421.63), dbSNP rs200871041, ClinGen allele CA1393826.

ClinVar aggregate classification (germline): Pathogenic/Likely pathogenic. Review status: criteria provided, multiple submitters, no conflicts (2 of 4 stars). 11 submissions from 10 submitters: Pathogenic (9); Likely pathogenic (2). Last evaluated 2026-02-26.

Conditions:
USH2A-related disorder. Also called: USH2A-related disorders; USH2A-related condition. Identifiers: MedGen CN239332.
Retinitis pigmentosa 39 (RP39). Identifiers: Orphanet 791, MedGen C3151138, MONDO:0013436, OMIM 613809.
Usher syndrome type 2A. Also called: USHER SYNDROME, TYPE IIA; RETINAL DISEASE IN USHER SYNDROME TYPE IIA, MODIFIER OF. Identifiers: Orphanet 231178, Orphanet 886, MedGen C1848634, MONDO:0010169, OMIM 276901.

Allele frequency attached by ClinVar (database versions not stated): gnomAD exomes below 0.00001 and 0.00001; ExAC 0.00001; gnomAD 0.00002; TOPMed 0.00002; ESP Exome Variant Server 0.00015.
gnomAD v4.1: 12 of 1,613,846 alleles (0.00074%); highest among the groups gnomAD compares: Non-Finnish European, 0.001%; no homozygotes.

Submissions (11):

PreventionGenetics, part of Exact Sciences
Classification: Pathogenic for USH2A-related condition. Last evaluated: 2026-02-26. Review status: criteria provided, single submitter. Criteria: ACMG Guidelines, 2015. Collection method: clinical testing. Allele origin: germline.
Comment: The USH2A c.11048-2A>G variant is predicted to disrupt the AG splice acceptor site and interfere with normal splicing. This variant has been reported in individuals with Usher syndrome or retinitis pigmentosa (Neuhaus et al. 2017. PubMed ID: 28944237; Table S1, Weisschuh et al. 2020. PubMed ID: 32531858). This variant is reported in 0.00088% of alleles in individuals of European (Non-Finnish) descent in gnomAD. Variants that disrupt the consensus splice acceptor site in USH2A are expected to be pathogenic. This variant is interpreted as pathogenic.

CeGaT Center for Human Genetics Tuebingen
Classification: Pathogenic. Last evaluated: 2025-10-01. Review status: criteria provided, single submitter. Criteria: CeGaT Center For Human Genetics Tuebingen Variant Classification Criteria Version 2. Collection method: clinical testing. Allele origin: germline. Affected: yes. Observed: 3 variant alleles.
Comment: USH2A: PVS1, PM3:Strong, PM2

Labcorp Genetics (formerly Invitae), Labcorp
Classification: Pathogenic. Last evaluated: 2025-05-27. Review status: criteria provided, single submitter. Criteria: Invitae Variant Classification Sherloc (09022015). Collection method: clinical testing. Allele origin: germline.
Comment: This sequence change affects an acceptor splice site in intron 56 of the USH2A gene. It is expected to disrupt RNA splicing. Variants that disrupt the donor or acceptor splice site typically lead to a loss of protein function (PMID: 16199547), and loss-of-function variants in USH2A are known to be pathogenic (PMID: 10729113, 10909849, 20507924, 25649381). This variant is present in population databases (rs200871041, gnomAD 0.002%). Disruption of this splice site has been observed in individuals with Usher syndrome or severe hearing loss (PMID: 28944237, 28984810; internal data). ClinVar contains an entry for this variant (Variation ID: 553421). Algorithms developed to predict the effect of sequence changes on RNA splicing suggest that this variant may disrupt the consensus splice site. For these reasons, this variant has been classified as Pathogenic.

GeneDx
Classification: Pathogenic. Last evaluated: 2025-01-02. Review status: criteria provided, single submitter. Criteria: GeneDx Variant Classification Process June 2021. Collection method: clinical testing. Allele origin: germline. Affected: yes.
Comment: Canonical splice site variant predicted to result in a null allele in a gene for which loss of function is a known mechanism of disease; Not observed at significant frequency in large population cohorts (gnomAD); This variant is associated with the following publications: (PMID: 31370859, 28944237, 32531858)

Natera, Inc.
Classification: Pathogenic for Usher syndrome type 2A. Last evaluated: 2025-01-02. Review status: criteria provided, single submitter. Criteria: Natera Variant Classification Schema (03/2026). Collection method: clinical testing. Allele origin: germline.
Comment: The c.11048-2A>G variant in USH2A is a canonical splice acceptor site variant predicted to affect pre-mRNA splicing, which may result in an abnormal transcript and altered protein product. This variant is expected to result in nonsense mediated decay, truncation, or a dysfunctional protein product. This variant is rare in the general population with a frequency below the threshold expected for the associated phenotype(s). This variant has been observed in one or more individuals affected with the associated recessive disease, as either homozygous or compound heterozygous with a second variant (PMID: 28944237). Given the available evidence, this variant is classified as Pathogenic.

Blueprint Genetics
Classification: Pathogenic for USH2A-related disorders. Last evaluated: 2024-09-06. Review status: criteria provided, single submitter. Criteria: ACMG Guidelines, 2015. Collection method: clinical testing. Allele origin: germline. Affected: yes. Observed: 5 variant alleles.

Baylor Genetics
Classification: Pathogenic for Retinitis pigmentosa 39. Last evaluated: 2024-03-30. Review status: criteria provided, single submitter. Criteria: ACMG Guidelines, 2015. Collection method: clinical testing. Allele origin: unknown.

Genome-Nilou Lab
Classification: Likely pathogenic for Retinitis pigmentosa 39. Last evaluated: 2023-04-11. Review status: criteria provided, single submitter. Criteria: ACMG Guidelines, 2015. Collection method: clinical testing. Allele origin: germline. Affected: no.

Genome-Nilou Lab
Classification: Likely pathogenic for Usher syndrome type 2A. Last evaluated: 2023-04-11. Review status: criteria provided, single submitter. Criteria: ACMG Guidelines, 2015. Collection method: clinical testing. Allele origin: germline. Affected: no.

Institute of Human Genetics, University of Leipzig Medical Center
Classification: Pathogenic for Retinitis pigmentosa 39. Last evaluated: 2022-11-24. Review status: criteria provided, single submitter. Criteria: ACMG Guidelines, 2015. Collection method: clinical testing. Allele origin: unknown. Affected: yes.
Comment: _x000D_ Criteria applied: PVS1, PM3, PM2_SUP

Myriad Genetics, Inc.
Classification: Pathogenic for Usher syndrome type 2A. Last evaluated: 2021-11-11. Review status: criteria provided, single submitter. Criteria: Myriad Women's Health Autosomal Recessive and X-Linked Classification Criteria (2021). Collection method: clinical testing. Allele origin: unknown.
Comment: NM_206933.2(USH2A):c.11048-2A>G is a canonical splice variant classified as pathogenic in the context of USH2A-related disorders. c.11048-2A>G has been observed in cases with relevant disease (PMID: 32531858, 28944237, 28984810, 30358468, 31370859). Functional assessments of this variant are not available in the literature. c.11048-2A>G has been observed in population frequency databases (gnomAD: NFE 0.001%). In summary, NM_206933.2(USH2A):c.11048-2A>G is a canonical splice variant in a gene where loss of function is a known mechanism of disease, is predicted to disrupt protein function, and has been observed more frequently in cases with the relevant disease than in healthy populations. Please note: this variant was assessed in the context of healthy population screening.

Literature cited by the submitters: PubMed 16199547 (cited by Labcorp Genetics (formerly Invitae), Labcorp); PubMed 10729113 (cited by Labcorp Genetics (formerly Invitae), Labcorp); PubMed 10909849 (cited by Labcorp Genetics (formerly Invitae), Labcorp); PubMed 20507924 (cited by Labcorp Genetics (formerly Invitae), Labcorp); PubMed 25649381 (cited by Labcorp Genetics (formerly Invitae), Labcorp); PubMed 28944237 (cited by 3 submitters); PubMed 28984810 (cited by Labcorp Genetics (formerly Invitae), Labcorp and Myriad Genetics, Inc.); PubMed 30358468 (cited by Myriad Genetics, Inc.); PubMed 31370859 (cited by Myriad Genetics, Inc.); PubMed 32531858 (cited by Myriad Genetics, Inc.).